The following is an entry in ClinVar:

ClinVar aggregate classification (germline): Likely benign. Review status: criteria provided, multiple submitters, no conflicts (2 of 4 stars). 2 submissions from 2 submitters: Likely benign (2). Last evaluated 2026-08-01.

gnomAD v4.1: 5 of 1,555,016 alleles (0.00032%); highest among the groups gnomAD compares: Admixed American, 0.0078%; no homozygotes.

Submissions (2):

CeGaT Center for Human Genetics Tuebingen
Classification: Likely benign. Last evaluated: 2026-08-01. Review status: criteria provided, single submitter. Criteria: CeGaT Center For Human Genetics Tuebingen Variant Classification Criteria Version 2. Collection method: clinical testing. Allele origin: germline. Affected: yes. Observed: 1 variant allele.
Comment: MTMR2: BP4, BP7

Blueprint Genetics
Classification: Likely benign. Last evaluated: 2024-02-13. Review status: criteria provided, single submitter. Criteria: ACMG Guidelines, 2015. Collection method: clinical testing. Allele origin: germline.

NM_016156.6(MTMR2):c.72C>T (p.Ser24=)

Gene: MTMR2 (myotubularin related protein 2; minus strand). Cytogenetic location: 11q21.
Variant type: single nucleotide variant.
Coding change: c.72C>T on transcript NM_016156.6 (MANE Select); coding-DNA position 72, C replaced by T.
Protein change: p.Ser24=; no amino-acid change (serine 24 retained).
Molecular consequence: synonymous variant. On other transcripts: 5 prime UTR variant (13).
Genome position (GRCh38, 1-based): chr11:95,923,883, G>A on the plus strand (C>T on the coding strand, the complement: MTMR2 is on the minus strand). VCF-style: chr11-95923883-G-A. GRCh37 (hg19) VCF-style: chr11-95657047-G-A.
Other names: c.-412C>T (NM_001243571.2); c.-496C>T (NM_001440631.1); c.-460C>T (NM_001440632.1); c.-435C>T (NM_001440633.1); c.-351C>T (NM_001440634.1); c.-39C>T (NM_001440635.1); c.-170C>T (NM_001440636.1); c.-475C>T (NM_001440638.1); and 6 more.
Identifiers: ClinVar variation 4913602 (VCV004913602.2).